The following is an entry in ClinVar:

ClinVar aggregate classification (germline): Uncertain significance (1 of 4 stars; one submission).

gnomAD v4.1: 4 of 1,612,994 alleles (0.00025%); highest among the groups gnomAD compares: African/African-American, 0.0013%; no homozygotes.

Submission:

Labcorp Genetics (formerly Invitae), Labcorp
Classification: Uncertain significance. Last evaluated: 2025-10-29. Review status: criteria provided, single submitter. Criteria: Invitae Variant Classification Sherloc (09022015). Collection method: clinical testing. Allele origin: germline.
Comment: This sequence change falls in intron 31 of the KMT2A gene. It does not directly change the encoded amino acid sequence of the KMT2A protein. It affects a nucleotide within the consensus splice site. This variant is present in population databases (no rsID available, gnomAD 0.0009%). This variant has not been reported in the literature in individuals affected with KMT2A-related conditions. Variants that disrupt the consensus splice site are a relatively common cause of aberrant splicing (PMID: 17576681, 9536098). Algorithms developed to predict the effect of sequence changes on RNA splicing suggest that this variant may create or strengthen a splice site. In summary, the available evidence is currently insufficient to determine the role of this variant in disease. Therefore, it has been classified as a Variant of Uncertain Significance.

Literature cited by the submitters: PubMed 17576681; PubMed 9536098.

NM_001197104.2(KMT2A):c.11146+4A>G

Genes: KMT2A (lysine methyltransferase 2A; plus strand), TTC36-AS1 (TTC36 and KMT2A antisense RNA 1; minus strand). Cytogenetic location: 11q23.3.
Variant type: single nucleotide variant.
Coding change: c.11146+4A>G on transcript NM_001197104.2 (MANE Select); 4 bases into the intron after coding-DNA position 11146, A replaced by G.
Molecular consequence: intron variant. On other transcripts: non-coding transcript variant (1).
Genome position (GRCh38, 1-based): chr11:118,512,029, A>G. VCF-style: chr11-118512029-A-G. GRCh37 (hg19) VCF-style: chr11-118382744-A-G.
Other names: c.11236+4A>G (NM_001412597.1); c.11137+4A>G (NM_005933.4).
Identifiers: ClinVar variation 4730219 (VCV004730219.1).